The following is an entry in ClinVar:

NM_000073.3(CD3G):c.521T>C (p.Leu174Pro)

Gene: CD3G (CD3 gamma subunit of T-cell receptor complex; plus strand). Cytogenetic location: 11q23.3.
Variant type: single nucleotide variant.
Coding change: c.521T>C on transcript NM_000073.3 (MANE Select); coding-DNA position 521, T replaced by C.
Protein change: p.Leu174Pro; replaces leucine 174 with proline.
Molecular consequence: missense variant.
Genome position (GRCh38, 1-based): chr11:118,352,441, T>C. VCF-style: chr11-118352441-T-C. GRCh37 (hg19) VCF-style: chr11-118223156-T-C.
Other names: short protein forms L174P.
Identifiers: ClinVar variation 1056865 (VCV001056865.5), dbSNP rs200685479, ClinGen allele CA6302224.

ClinVar aggregate classification (germline): Uncertain significance (1 of 4 stars; one submission).

Conditions:
Combined immunodeficiency due to CD3gamma deficiency. Also called: Immunodeficiency 17; Immunodeficiency 17, CD3 gamma deficient; CD3-GAMMA DEFICIENCY; SCID-LIKE IMMUNODEFICIENCY, T CELL-PARTIAL, B CELL-POSITIVE, NK CELL-POSITIVE. Identifiers: Orphanet 169082, MedGen C3810107, MONDO:0014276, OMIM 615607.

Allele frequency attached by ClinVar (database versions not stated): ExAC 0.00001; gnomAD exomes 0.00001 and 0.00002; gnomAD 0.00002 and 0.00003; TOPMed 0.00003.
gnomAD v4.1: 41 of 1,614,002 alleles (0.0025%); highest among the groups gnomAD compares: Non-Finnish European, 0.0031%; no homozygotes.

Submission:

Labcorp Genetics (formerly Invitae), Labcorp
Classification: Uncertain significance for Combined immunodeficiency due to CD3gamma deficiency. Last evaluated: 2025-11-27. Review status: criteria provided, single submitter. Criteria: Invitae Variant Classification Sherloc (09022015). Collection method: clinical testing. Allele origin: germline.
Comment: This sequence change replaces leucine, which is neutral and non-polar, with proline, which is neutral and non-polar, at codon 174 of the CD3G protein (p.Leu174Pro). This variant is present in population databases (rs200685479, gnomAD 0.003%). This variant has not been reported in the literature in individuals affected with CD3G-related conditions. ClinVar contains an entry for this variant (Variation ID: 1056865). An algorithm developed to predict the effect of missense changes on protein structure and function (PolyPhen-2) suggests that this variant is likely to be disruptive. In summary, the available evidence is currently insufficient to determine the role of this variant in disease. Therefore, it has been classified as a Variant of Uncertain Significance.